The following is an entry in ClinVar:

ClinVar aggregate classification (germline): Uncertain significance (1 of 4 stars; one submission).

gnomAD v4.1: 12 of 1,599,308 alleles (0.00075%); highest among the groups gnomAD compares: Admixed American, 0.01%; no homozygotes.

Submission:

Ambry Genetics
Classification: Uncertain significance. Last evaluated: 2024-11-18. Review status: criteria provided, single submitter. Criteria: Ambry Variant Classification Scheme 2023. Collection method: clinical testing. Allele origin: germline.
Comment: The p.D186G variant (also known as c.557A>G), located in coding exon 5 of the RAD51B gene, results from an A to G substitution at nucleotide position 557. The aspartic acid at codon 186 is replaced by glycine, an amino acid with similar properties. This amino acid position is conserved. In addition, this alteration is predicted to be tolerated by in silico analysis. Based on the available evidence, the clinical significance of this variant remains unclear.

NM_133510.4(RAD51B):c.557A>G (p.Asp186Gly)

Gene: RAD51B (RAD51 paralog B; plus strand). Cytogenetic location: 14q24.1.
Variant type: single nucleotide variant.
Coding change: c.557A>G on transcript NM_133510.4 (MANE Select); coding-DNA position 557, A replaced by G.
Protein change: p.Asp186Gly; replaces aspartic acid 186 with glycine.
Molecular consequence: missense variant.
Genome position (GRCh38, 1-based): chr14:67,885,973, A>G. VCF-style: chr14-67885973-A-G. GRCh37 (hg19) VCF-style: chr14-68352690-A-G.
Other names: c.557A>G, p.Asp186Gly (NM_001321809.2, NM_001321810.2, NM_001321812.1 and 6 more transcripts); c.443A>G, p.Asp148Gly (NM_001321815.1); c.200A>G, p.Asp67Gly (NM_001321817.2); short protein forms D148G, D67G, D186G.
Identifiers: ClinVar variation 3429619 (VCV003429619.1).